The following is an entry in ClinVar:

NM_001267550.2(TTN):c.33095-1G>C

Gene: TTN (titin; minus strand). Cytogenetic location: 2q31.2.
Variant type: single nucleotide variant.
Coding change: c.33095-1G>C on transcript NM_001267550.2 (MANE Select); the canonical splice acceptor site of the intron before coding-DNA position 33095, G replaced by C.
Molecular consequence: splice acceptor variant. On other transcripts: intron variant (3).
Genome position (GRCh38, 1-based): chr2:178,681,739, C>G on the plus strand (G>C on the coding strand, the complement: TTN is on the minus strand). VCF-style: chr2-178681739-C-G. GRCh37 (hg19) VCF-style: chr2-179546466-C-G.
Other names: c.13283-39422G>C (NM_003319.4); c.13859-39422G>C (NM_133437.4); c.13658-39422G>C (NM_133432.3); c.29363-1G>C (NM_133378.4); c.32144-1G>C (NM_001256850.1).
Identifiers: ClinVar variation 3755721 (VCV003755721.2).

ClinVar aggregate classification (germline): Likely pathogenic (1 of 4 stars; one submission).

Conditions:
Dilated cardiomyopathy 1G (CMD1G). Identifiers: Orphanet 154, MedGen C1858763, MONDO:0011400, OMIM 604145.
Autosomal recessive limb-girdle muscular dystrophy type 2J (LGMDR10). Also called: Limb-girdle muscular dystrophy, type 2J; MUSCULAR DYSTROPHY, LIMB-GIRDLE, AUTOSOMAL RECESSIVE 10. Identifiers: Orphanet 140922, MedGen C1837342, MONDO:0012127, OMIM 608807.

Submission:

Labcorp Genetics (formerly Invitae), Labcorp
Classification: Likely pathogenic for Dilated cardiomyopathy 1G; Autosomal recessive limb-girdle muscular dystrophy type 2J. Last evaluated: 2024-04-06. Review status: criteria provided, single submitter. Criteria: Invitae Variant Classification Sherloc (09022015). Collection method: clinical testing. Allele origin: germline.
Comment: This sequence change affects an acceptor splice site in intron 135 of the TTN gene. It is expected to disrupt RNA splicing and likely results in a truncated or disrupted TTN protein. This variant is not present in population databases (gnomAD no frequency). This variant has not been reported in the literature in individuals affected with TTN-related conditions. Algorithms developed to predict the effect of sequence changes on RNA splicing suggest that this variant may disrupt the consensus splice site. This variant is located in the I band of TTN (PMID: 25589632). Truncating variants in this region have been reported in individuals affected with autosomal recessive centronuclear myopathy (PMID: 23975875, Invitae internal data). Truncating variants in this region have also been identified in individuals affected with autosomal dominant dilated cardiomyopathy and/or cardio-related conditions (PMID: 27869827, 32964742, Invitae internal data). In summary, the currently available evidence indicates that the variant is pathogenic, but additional data are needed to prove that conclusively. Therefore, this variant has been classified as Likely Pathogenic.

Literature cited by the submitters: PubMed 25589632; PubMed 23975875; PubMed 27869827; PubMed 32964742.